The following is an entry in ClinVar:

NM_001035.3(RYR2):c.362T>C (p.Leu121Pro)

Gene: RYR2 (ryanodine receptor 2; plus strand). Cytogenetic location: 1q43.
Variant type: single nucleotide variant.
Coding change: c.362T>C on transcript NM_001035.3 (MANE Select); coding-DNA position 362, T replaced by C.
Protein change: p.Leu121Pro; replaces leucine 121 with proline.
Molecular consequence: missense variant.
Genome position (GRCh38, 1-based): chr1:237,369,586, T>C. VCF-style: chr1-237369586-T-C. GRCh37 (hg19) VCF-style: chr1-237532886-T-C.
Other names: c.362T>C (NM_001035.2); short protein forms L121P.
Identifiers: ClinVar variation 3337531 (VCV003337531.3).

ClinVar aggregate classification (germline): Uncertain significance. Review status: criteria provided, multiple submitters, no conflicts (2 of 4 stars). 3 submissions from 3 submitters: Uncertain significance (3). Last evaluated 2025-07-13.

Conditions:
Catecholaminergic polymorphic ventricular tachycardia 1. Also called: VENTRICULAR TACHYCARDIA, STRESS-INDUCED POLYMORPHIC 1; VENTRICULAR TACHYCARDIA, CATECHOLAMINERGIC POLYMORPHIC, 1, WITH OR WITHOUT ATRIAL DYSFUNCTION AND/OR DILATED CARDIOMYOPATHY; RYR2-Related Catecholaminergic Polymorphic Ventricular Tachycardia. Identifiers: Orphanet 3286, MedGen C1631597, MONDO:0011484, OMIM 604772.

Submissions (3):

Labcorp Genetics (formerly Invitae), Labcorp
Classification: Uncertain significance for Catecholaminergic polymorphic ventricular tachycardia 1. Last evaluated: 2025-07-13. Review status: criteria provided, single submitter. Criteria: Invitae Variant Classification Sherloc (09022015). Collection method: clinical testing. Allele origin: germline.
Comment: This sequence change replaces leucine, which is neutral and non-polar, with proline, which is neutral and non-polar, at codon 121 of the RYR2 protein (p.Leu121Pro). This variant is not present in population databases (gnomAD no frequency). This variant has not been reported in the literature in individuals affected with RYR2-related conditions. ClinVar contains an entry for this variant (Variation ID: 3337531). Invitae Evidence Modeling of protein sequence and biophysical properties (such as structural, functional, and spatial information, amino acid conservation, physicochemical variation, residue mobility, and thermodynamic stability) indicates that this missense variant is expected to disrupt RYR2 protein function with a positive predictive value of 95%. In summary, the available evidence is currently insufficient to determine the role of this variant in disease. Therefore, it has been classified as a Variant of Uncertain Significance.

GeneDx
Classification: Uncertain significance. Last evaluated: 2025-03-13. Review status: criteria provided, single submitter. Criteria: GeneDx Variant Classification Process June 2021. Collection method: clinical testing. Allele origin: germline. Affected: yes.
Comment: Not observed at significant frequency in large population cohorts (gnomAD); In silico analysis supports that this missense variant has a deleterious effect on protein structure/function; Has not been previously published as pathogenic or benign to our knowledge; Located in one of the three hot-spot regions of the RYR2 gene, where the majority of pathogenic missense variants occur (PMID: 19926015); This variant is associated with the following publications: (PMID: 19926015)

Clinical Genetics Laboratory, Skane University Hospital Lund
Classification: Uncertain significance. Last evaluated: 2023-05-25. Review status: criteria provided, single submitter. Criteria: ACMG Guidelines, 2015. Collection method: clinical testing. Allele origin: germline. Affected: yes.